The following is an entry in ClinVar:

NM_001197104.2(KMT2A):c.695A>C (p.Lys232Thr)

Gene: KMT2A (lysine methyltransferase 2A; plus strand). Cytogenetic location: 11q23.3.
Variant type: single nucleotide variant.
Coding change: c.695A>C on transcript NM_001197104.2 (MANE Select); coding-DNA position 695, A replaced by C.
Protein change: p.Lys232Thr; replaces lysine 232 with threonine.
Molecular consequence: missense variant.
Genome position (GRCh38, 1-based): chr11:118,471,854, A>C. VCF-style: chr11-118471854-A-C. GRCh37 (hg19) VCF-style: chr11-118342569-A-C.
Other names: c.794A>C, p.Lys265Thr (NM_001412597.1); c.695A>C, p.Lys232Thr (NM_005933.4); short protein forms K265T, K232T.
Identifiers: ClinVar variation 2987106 (VCV002987106.3), dbSNP rs1472681416, ClinGen allele CA382807466.

ClinVar aggregate classification (germline): Uncertain significance (1 of 4 stars; one submission).

Allele frequency attached by ClinVar (database versions not stated): gnomAD exomes below 0.00001; gnomAD 0.00001; TOPMed 0.00002.
gnomAD v4.1: 8 of 1,612,134 alleles (0.0005%); highest among the groups gnomAD compares: Non-Finnish European, 0.00059%; no homozygotes.

Submission:

Labcorp Genetics (formerly Invitae), Labcorp
Classification: Uncertain significance. Last evaluated: 2025-03-17. Review status: criteria provided, single submitter. Criteria: Invitae Variant Classification Sherloc (09022015). Collection method: clinical testing. Allele origin: germline.
Comment: This sequence change replaces lysine, which is basic and polar, with threonine, which is neutral and polar, at codon 232 of the KMT2A protein (p.Lys232Thr). This variant is not present in population databases (gnomAD no frequency). This variant has not been reported in the literature in individuals affected with KMT2A-related conditions. ClinVar contains an entry for this variant (Variation ID: 2987106). Invitae Evidence Modeling of protein sequence and biophysical properties (such as structural, functional, and spatial information, amino acid conservation, physicochemical variation, residue mobility, and thermodynamic stability) has been performed for this missense variant. However, the output from this modeling did not meet the statistical confidence thresholds required to predict the impact of this variant on KMT2A protein function. In summary, the available evidence is currently insufficient to determine the role of this variant in disease. Therefore, it has been classified as a Variant of Uncertain Significance.